The following is an entry in ClinVar:

ClinVar aggregate classification (germline): Conflicting classifications of pathogenicity. Review status: criteria provided, conflicting classifications (1 of 4 stars). 3 submissions from 3 submitters: Uncertain significance (1); Likely benign (2). Last evaluated 2025-10-03.

Conditions:
Spondyloepimetaphyseal dysplasia, Bieganski type. Also called: Leukoencephalopathy with metaphyseal chondrodysplasia; Spondyloepimetaphyseal dysplasia, X-linked, with hypomyelinating leukodystrophy; SEMD X-linked with mental deterioration. Identifiers: Orphanet 168448, Orphanet 83629, MedGen C1846148, MONDO:0010275, OMIM 300232.
Charcot-Marie-Tooth Neuropathy X. Identifiers: MedGen CN118851.
Combined oxidative phosphorylation deficiency. Identifiers: MedGen C4540031, MONDO:0000732.

Allele frequency attached by ClinVar (database versions not stated): gnomAD 0.00001 and 0.00003; ExAC 0.00007; gnomAD exomes 0.00007 and 0.00011; TOPMed 0.00009.
gnomAD v4.1: 80 of 1,209,102 alleles (0.0066%); highest among the groups gnomAD compares: Non-Finnish European, 0.0083%; no homozygotes.

Submissions (3):

Labcorp Genetics (formerly Invitae), Labcorp
Classification: Likely benign for Charcot-Marie-Tooth Neuropathy X; Combined oxidative phosphorylation deficiency. Last evaluated: 2025-10-03. Review status: criteria provided, single submitter. Criteria: Invitae Variant Classification Sherloc (09022015). Collection method: clinical testing. Allele origin: germline.

Blueprint Genetics
Classification: Likely benign. Last evaluated: 2024-01-30. Review status: criteria provided, single submitter. Criteria: ACMG Guidelines, 2015. Collection method: clinical testing. Allele origin: germline.

Centre for Mendelian Genomics, University Medical Centre Ljubljana
Classification: Uncertain significance for Spondyloepimetaphyseal dysplasia, Bieganski type. Last evaluated: 2019-07-09. Review status: criteria provided, single submitter. Criteria: ACMG Guidelines, 2015. Collection method: clinical testing. Allele origin: unknown. Affected: yes.
Comment: This variant was classified as: Uncertain significance. The available evidence on this variant's pathogenicity is insufficient or conflicting. The following ACMG criteria were applied in classifying this variant: BS2. This variant was detected in hemizygous state.

NM_004208.4(AIFM1):c.1770+12T>C

Genes: AIFM1 (apoptosis inducing factor mitochondria associated 1; minus strand), RAB33A (RAB33A, member RAS oncogene family; plus strand). Cytogenetic location: Xq26.1.
Variant type: single nucleotide variant.
Coding change: c.1770+12T>C on transcript NM_004208.4 (MANE Select); 12 bases into the intron after coding-DNA position 1770, T replaced by C.
Molecular consequence: intron variant.
Genome position (GRCh38, 1-based): chrX:130,129,958, A>G on the plus strand (T>C on the coding strand, the complement: AIFM1 is on the minus strand). VCF-style: chrX-130129958-A-G. GRCh37 (hg19) VCF-style: chrX-129263933-A-G.
Other names: c.1758+12T>C (NM_145812.3); c.*998+12T>C (NM_001130847.4); c.753+12T>C (NM_001130846.4).
Identifiers: ClinVar variation 932022 (VCV000932022.9), dbSNP rs781186692, ClinGen allele CA10515224.